The following is an entry in ClinVar:

NM_019008.6(MIEF1):c.505C>T (p.Arg169Trp)

Gene: MIEF1 (mitochondrial elongation factor 1; plus strand). Cytogenetic location: 22q13.1.
Variant type: single nucleotide variant.
Coding change: c.505C>T on transcript NM_019008.6 (MANE Select); coding-DNA position 505, C replaced by T.
Protein change: p.Arg169Trp; replaces arginine 169 with tryptophan.
Molecular consequence: missense variant. On other transcripts: non-coding transcript variant (2).
Genome position (GRCh38, 1-based): chr22:39,512,414, C>T. VCF-style: chr22-39512414-C-T. GRCh37 (hg19) VCF-style: chr22-39908419-C-T.
Other names: c.505C>T, p.Arg169Trp (NM_001304564.2); short protein forms R169W.
Identifiers: ClinVar variation 3249210 (VCV003249210.8).

ClinVar aggregate classification (germline): Conflicting classifications of pathogenicity. Review status: criteria provided, conflicting classifications (1 of 4 stars). 2 submissions from 2 submitters: Uncertain significance (1); Likely benign (1). Last evaluated 2025-04-01.

Conditions:
Retinal dystrophy. Also called: Inherited retinal dystrophy. Identifiers: Orphanet 71862, MedGen C0854723, MeSH D058499, MONDO:0019118, HP:0000556.

gnomAD v4.1: 10,532 of 1,614,162 alleles (0.65%); highest among the groups gnomAD compares: Non-Finnish European, 0.79%; 47 homozygotes.

Submissions (2):

CeGaT Center for Human Genetics Tuebingen
Classification: Likely benign. Last evaluated: 2025-04-01. Review status: criteria provided, single submitter. Criteria: CeGaT Center For Human Genetics Tuebingen Variant Classification Criteria Version 2. Collection method: clinical testing. Allele origin: germline. Affected: yes. Observed: 1 variant allele.
Comment: MIEF1: BS2

Institute of Human Genetics, Univ. Regensburg, Univ. Regensburg
Classification: Uncertain significance for Retinal dystrophy. Last evaluated: 2022-01-01. Review status: criteria provided, single submitter. Criteria: ACMG Guidelines, 2015. Collection method: clinical testing. Allele origin: germline. Affected: yes.

Literature cited by the submitters: PubMed 29177109 (cited by Institute of Human Genetics, Univ. Regensburg, Univ. Regensburg).